The following is an entry in ClinVar:

ClinVar aggregate classification (germline): Uncertain significance (1 of 4 stars; one submission).

Allele frequency attached by ClinVar (database versions not stated): gnomAD exomes 0.00001; ExAC 0.00002.
gnomAD v4.1: 4 of 1,614,068 alleles (0.00025%); highest among the groups gnomAD compares: Non-Finnish European, 0.00025%; no homozygotes.

Submission:

Labcorp Genetics (formerly Invitae), Labcorp
Classification: Uncertain significance. Last evaluated: 2024-10-15. Review status: criteria provided, single submitter. Criteria: Invitae Variant Classification Sherloc (09022015). Collection method: clinical testing. Allele origin: germline.
Comment: This sequence change replaces threonine, which is neutral and polar, with isoleucine, which is neutral and non-polar, at codon 757 of the ZNF335 protein (p.Thr757Ile). This variant is present in population databases (rs758226460, gnomAD 0.003%). This variant has not been reported in the literature in individuals affected with ZNF335-related conditions. ClinVar contains an entry for this variant (Variation ID: 1385881). Invitae Evidence Modeling of protein sequence and biophysical properties (such as structural, functional, and spatial information, amino acid conservation, physicochemical variation, residue mobility, and thermodynamic stability) indicates that this missense variant is not expected to disrupt ZNF335 protein function with a negative predictive value of 80%. In summary, the available evidence is currently insufficient to determine the role of this variant in disease. Therefore, it has been classified as a Variant of Uncertain Significance.

NM_022095.4(ZNF335):c.2270C>T (p.Thr757Ile)

Gene: ZNF335 (zinc finger protein 335; minus strand). Cytogenetic location: 20q13.12.
Variant type: single nucleotide variant.
Coding change: c.2270C>T on transcript NM_022095.4 (MANE Select); coding-DNA position 2270, C replaced by T.
Protein change: p.Thr757Ile; replaces threonine 757 with isoleucine.
Molecular consequence: missense variant.
Genome position (GRCh38, 1-based): chr20:45,957,912, G>A on the plus strand (C>T on the coding strand, the complement: ZNF335 is on the minus strand). VCF-style: chr20-45957912-G-A. GRCh37 (hg19) VCF-style: chr20-44586551-G-A.
Other names: short protein forms T757I.
Identifiers: ClinVar variation 1385881 (VCV001385881.6), dbSNP rs758226460, ClinGen allele CA9885417.